The following is an entry in ClinVar:

ClinVar aggregate classification (germline): Uncertain significance (1 of 4 stars; one submission).

Submission:

Labcorp Genetics (formerly Invitae), Labcorp
Classification: Uncertain significance. Last evaluated: 2023-06-05. Review status: criteria provided, single submitter. Criteria: Invitae Variant Classification Sherloc (09022015). Collection method: clinical testing. Allele origin: germline.
Comment: In summary, the available evidence is currently insufficient to determine the role of this variant in disease. Therefore, it has been classified as a Variant of Uncertain Significance. Advanced modeling of protein sequence and biophysical properties (such as structural, functional, and spatial information, amino acid conservation, physicochemical variation, residue mobility, and thermodynamic stability) performed at Invitae indicates that this missense variant is not expected to disrupt HOXB13 protein function. ClinVar contains an entry for this variant (Variation ID: 1435588). This variant has not been reported in the literature in individuals affected with HOXB13-related conditions. This variant is not present in population databases (gnomAD no frequency). This sequence change replaces phenylalanine, which is neutral and non-polar, with leucine, which is neutral and non-polar, at codon 213 of the HOXB13 protein (p.Phe213Leu).

NM_006361.6(HOXB13):c.639T>G (p.Phe213Leu)

Gene: HOXB13 (homeobox B13; minus strand). Cytogenetic location: 17q21.32.
Variant type: single nucleotide variant.
Coding change: c.639T>G on transcript NM_006361.6 (MANE Select); coding-DNA position 639, T replaced by G.
Protein change: p.Phe213Leu; replaces phenylalanine 213 with leucine.
Molecular consequence: missense variant.
Genome position (GRCh38, 1-based): chr17:48,727,006, A>C on the plus strand (T>G on the coding strand, the complement: HOXB13 is on the minus strand). VCF-style: chr17-48727006-A-C. GRCh37 (hg19) VCF-style: chr17-46804368-A-C.
Other names: short protein forms F213L.
Identifiers: ClinVar variation 1435588 (VCV001435588.8), dbSNP rs1597932949, ClinGen allele CA400106934.